The following is an entry in ClinVar:

ClinVar aggregate classification (germline): Uncertain significance (1 of 4 stars; one submission).

Submission:

GeneDx
Classification: Uncertain significance. Last evaluated: 2024-03-27. Review status: criteria provided, single submitter. Criteria: GeneDx Variant Classification Process June 2021. Collection method: clinical testing. Allele origin: germline. Affected: yes.
Comment: Not observed at significant frequency in large population cohorts (gnomAD); In silico analysis supports that this missense variant has a deleterious effect on protein structure/function; Has not been previously published as pathogenic or benign to our knowledge; Located in the Stem Domain (PMID: 25512093, 25609763, 26100331); This variant is associated with the following publications: (PMID: 25512093, 25609763, 26100331)

NM_001376.5(DYNC1H1):c.215C>T (p.Pro72Leu)

Gene: DYNC1H1 (dynein cytoplasmic 1 heavy chain 1; plus strand). Cytogenetic location: 14q32.31.
Variant type: single nucleotide variant.
Coding change: c.215C>T on transcript NM_001376.5 (MANE Select); coding-DNA position 215, C replaced by T.
Protein change: p.Pro72Leu; replaces proline 72 with leucine.
Molecular consequence: missense variant.
Genome position (GRCh38, 1-based): chr14:101,964,906, C>T. VCF-style: chr14-101964906-C-T. GRCh37 (hg19) VCF-style: chr14-102431243-C-T.
Other names: short protein forms P72L.
Identifiers: ClinVar variation 3371476 (VCV003371476.1).